The following is an entry in ClinVar:

NM_000088.4(COL1A1):c.1084G>A (p.Gly362Ser)

Gene: COL1A1 (collagen type I alpha 1 chain; minus strand). Cytogenetic location: 17q21.33.
Variant type: single nucleotide variant.
Coding change: c.1084G>A on transcript NM_000088.4 (MANE Select); coding-DNA position 1084, G replaced by A.
Protein change: p.Gly362Ser; replaces glycine 362 with serine.
Molecular consequence: missense variant.
Genome position (GRCh38, 1-based): chr17:50,195,638, C>T on the plus strand (G>A on the coding strand, the complement: COL1A1 is on the minus strand). VCF-style: chr17-50195638-C-T. GRCh37 (hg19) VCF-style: chr17-48272999-C-T.
Other names: short protein forms G362S.
Identifiers: ClinVar variation 930902 (VCV000930902.5), dbSNP rs1907516553, ClinGen allele CA400220084.

ClinVar aggregate classification (germline): Likely pathogenic. Review status: criteria provided, multiple submitters, no conflicts (2 of 4 stars). 3 submissions from 3 submitters: Likely pathogenic (3). Last evaluated 2025-05-23.

Conditions:
Osteogenesis imperfecta with normal sclerae, dominant form (OI4). Also called: OSTEOGENESIS IMPERFECTA, TYPE IV, WITH DENTINOGENESIS IMPERFECTA; Osteogenesis imperfecta type 4; OSTEOGENESIS IMPERFECTA WITH NORMAL SCLERAE; Osteogenesis Imperfecta Type IV; Common Variable Osteogenesis Imperfecta with Normal Sclerae. Identifiers: Orphanet 216820, Orphanet 666, MedGen C0268363, MONDO:0008148, OMIM 166220.
Osteogenesis imperfecta type I (OI1). Also called: Lobstein's Disease; Osteogenesis imperfecta type 1; OI, TYPE I; OSTEOGENESIS IMPERFECTA TARDA; OSTEOGENESIS IMPERFECTA WITH BLUE SCLERAE; Lobstein disease. Identifiers: Orphanet 216796, Orphanet 666, MedGen C0023931, MONDO:0008146, OMIM 166200. Disease mechanism: loss of function.

Submissions (3):

Clinical Biomedical Laboratory, Shriners Hospital For Children - Canada
Classification: Likely pathogenic for Osteogenesis imperfecta type I. Last evaluated: 2025-05-23. Review status: criteria provided, single submitter. Criteria: ACMG Guidelines, 2015. Collection method: clinical testing. Allele origin: germline. Affected: yes.
Comment: This variant is predicted to substitute a glycine residue by a serine residue in the triple helical domain of the collagen type I alpha 1 chain. Glycine substitutions in the triple helical domain of collagen type I cause disruption in the formation of the triple helix in the collagen molecule and are a typical cause of osteogenesis imperfecta. This variant is absent from the Genome Aggregation Database (v2.1.1). The affected nucleotide is predicted as deleterious to protein function (Revel 0.99). This variant has been reported in the literature (PMID: 29499418).

Medical Genetics Center, Maternal and Child Health Hospital of Hubei Province
Classification: Likely pathogenic for Osteogenesis imperfecta type I. Last evaluated: 2022-04-02. Review status: criteria provided, single submitter. Criteria: ACMG Guidelines, 2015. Collection method: clinical testing. Allele origin: paternal. Affected: yes.

Centre for Mendelian Genomics, University Medical Centre Ljubljana
Classification: Likely pathogenic for Osteogenesis imperfecta with normal sclerae, dominant form. Last evaluated: 2019-12-19. Review status: criteria provided, single submitter. Criteria: ACMG Guidelines, 2015. Collection method: clinical testing. Allele origin: unknown. Affected: yes.
Comment: This variant was classified as: Likely pathogenic. The following ACMG criteria were applied in classifying this variant: PM1,PM2,PP2,PP3,PP4.

Literature cited by the submitters: PubMed 29499418 (cited by Clinical Biomedical Laboratory, Shriners Hospital For Children - Canada and Medical Genetics Center, Maternal and Child Health Hospital of Hubei Province); PubMed 30715774 (cited by Medical Genetics Center, Maternal and Child Health Hospital of Hubei Province).